The following is an entry in ClinVar:

NM_000182.5(HADHA):c.955G>A (p.Gly319Ser)

Gene: HADHA (hydroxyacyl-CoA dehydrogenase trifunctional multienzyme complex subunit alpha; minus strand). Cytogenetic location: 2p23.3.
Variant type: single nucleotide variant.
Coding change: c.955G>A on transcript NM_000182.5 (MANE Select); coding-DNA position 955, G replaced by A.
Protein change: p.Gly319Ser; replaces glycine 319 with serine.
Molecular consequence: missense variant.
Genome position (GRCh38, 1-based): chr2:26,212,590, C>T on the plus strand (G>A on the coding strand, the complement: HADHA is on the minus strand). VCF-style: chr2-26212590-C-T. GRCh37 (hg19) VCF-style: chr2-26435459-C-T.
Other names: short protein forms G319S.
Identifiers: ClinVar variation 203743 (VCV000203743.44), dbSNP rs752317877, ClinGen allele CA312579.

ClinVar aggregate classification (germline): Conflicting classifications of pathogenicity. Review status: criteria provided, conflicting classifications (1 of 4 stars). 12 submissions from 12 submitters: Pathogenic (2); Likely pathogenic (4); Uncertain significance (3). 3 of the submissions do not count toward it. Last evaluated 2026-05-01.

Conditions:
Long chain 3-hydroxyacyl-CoA dehydrogenase deficiency. Also called: Deficiency of long-chain 3-hydroxyacyl-coenzyme A dehydrogenase; LCHAD Deficiency. Identifiers: Orphanet 5, MedGen C3711645, MONDO:0012173, OMIM 609016.
Mitochondrial trifunctional protein deficiency. Identifiers: Orphanet 746, MedGen C1969443, MONDO:0012172.
Mitochondrial trifunctional protein deficiency 1 (MTPD1). Identifiers: MedGen CN376812, MONDO:0958181, OMIM 609015.
HADHA-related disorder. Also called: HADHA-related condition; HADHA-related disorders.
Inborn genetic diseases. Identifiers: MedGen C0950123, MeSH D030342.

Allele frequency attached by ClinVar (database versions not stated): ExAC 0.00001; gnomAD 0.00002 and 0.00003; gnomAD exomes 0.00002 and 0.00005; TOPMed 0.00004.
gnomAD v4.1: 79 of 1,596,240 alleles (0.0049%); highest among the groups gnomAD compares: Non-Finnish European, 0.0066%; no homozygotes.

Submissions (12):

CeGaT Center for Human Genetics Tuebingen
Classification: Likely pathogenic. Last evaluated: 2026-05-01. Review status: criteria provided, single submitter. Criteria: CeGaT Center For Human Genetics Tuebingen Variant Classification Criteria Version 2. Collection method: clinical testing. Allele origin: germline. Affected: yes. Observed: 3 variant alleles.
Comment: HADHA: PM3:Strong, PM2

GeneDx
Classification: Pathogenic. Last evaluated: 2025-06-29. Review status: criteria provided, single submitter. Criteria: GeneDx Variant Classification Process June 2021. Collection method: clinical testing. Allele origin: germline. Affected: yes.
Comment: Not observed at a significant frequency in large population cohorts (gnomAD); In silico analysis supports that this missense variant has a deleterious effect on protein structure/function; This variant is associated with the following publications: (PMID: 26676313, 33638202, 34426522, 39687448, 38263760, 32897397, 30682426)

Natera, Inc.
Classification: Likely pathogenic for Deficiency of long-chain 3-hydroxyacyl-coenzyme A dehydrogenase. Last evaluated: 2025-02-11. Review status: criteria provided, single submitter. Criteria: Natera Variant Classification Schema (03/2026). Collection method: clinical testing. Allele origin: germline.
Comment: The c.955G>A variant in HADHA is a missense variant predicted to cause substitution of glycine to serine at amino acid 319. This variant is rare in the general population with a frequency below the threshold expected for the associated phenotype(s). This variant has been observed in one or more individuals affected with the associated recessive disease, as either homozygous or compound heterozygous with a second variant (PMID: 39687448, 39210374, 38263760). This variant has been observed to segregate in affected family members (PMID: 39210374). Computational prediction algorithms indicate this variant is likely to affect gene or protein function. Given the available evidence, this variant is classified as Likely Pathogenic.

Women's Health and Genetics/Laboratory Corporation of America, LabCorp
Classification: Uncertain significance. Last evaluated: 2024-07-10. Review status: criteria provided, single submitter. Criteria: LabCorp Variant Classification Summary - May 2015. Collection method: clinical testing. Allele origin: germline.
Comment: Variant summary: HADHA c.955G>A (p.Gly319Ser) results in a non-conservative amino acid change in the encoded protein sequence. Five of five in-silico tools predict a damaging effect of the variant on protein function. The variant allele was found at a frequency of 1.6e-05 in 251414 control chromosomes. c.955G>A has been reported in the literature in at least two compound heterozygous individuals affected with HADHA-related conditions (e.g., Diebold_2019, Grunert_2021). These data indicate that the variant may be associated with disease. To our knowledge, no experimental evidence demonstrating an impact on protein function has been reported. The following publications have been ascertained in the context of this evaluation (PMID: 30682426, 33638202). ClinVar contains an entry for this variant (Variation ID: 203743). Based on the evidence outlined above, the variant was classified as VUS-possibly pathogenic.

Fulgent Genetics
Classification: Likely pathogenic for Mitochondrial trifunctional protein deficiency 1; Long chain 3-hydroxyacyl-CoA dehydrogenase deficiency. Last evaluated: 2024-05-06. Review status: criteria provided, single submitter. Criteria: ACMG Guidelines, 2015. Collection method: clinical testing. Allele origin: germline.

Baylor Genetics
Classification: Pathogenic for Long chain 3-hydroxyacyl-CoA dehydrogenase deficiency. Last evaluated: 2023-11-29. Review status: criteria provided, single submitter. Criteria: ACMG Guidelines, 2015. Collection method: clinical testing. Allele origin: unknown.

Labcorp Genetics (formerly Invitae), Labcorp
Classification: Uncertain significance for Mitochondrial trifunctional protein deficiency; Long chain 3-hydroxyacyl-CoA dehydrogenase deficiency. Last evaluated: 2021-12-08. Review status: criteria provided, single submitter. Criteria: Invitae Variant Classification Sherloc (09022015). Collection method: clinical testing. Allele origin: germline.
Comment: This sequence change replaces glycine, which is neutral and non-polar, with serine, which is neutral and polar, at codon 319 of the HADHA protein (p.Gly319Ser). This variant is present in population databases (rs752317877, gnomAD 0.006%). This missense change has been observed in individual(s) with peripheral neuropathy (PMID: 30682426). ClinVar contains an entry for this variant (Variation ID: 203743). Algorithms developed to predict the effect of missense changes on protein structure and function are either unavailable or do not agree on the potential impact of this missense change (SIFT: "Deleterious"; PolyPhen-2: "Probably Damaging"; Align-GVGD: "Class C0"). In summary, the available evidence is currently insufficient to determine the role of this variant in disease. Therefore, it has been classified as a Variant of Uncertain Significance.

Ambry Genetics
Classification: Uncertain significance for Inborn genetic diseases. Last evaluated: 2017-06-07. Review status: criteria provided, single submitter. Criteria: Ambry exome assertion method (8-5-2015). Collection method: clinical testing. Allele origin: germline. Affected: yes. Observed: 1 variant allele.

Kariminejad - Najmabadi Pathology & Genetics Center
Classification: Likely pathogenic for Long chain 3-hydroxyacyl-CoA dehydrogenase deficiency. Review status: criteria provided, single submitter. Criteria: ACMG Guidelines, 2015. Collection method: clinical testing. Allele origin: germline. Affected: no.

PreventionGenetics, part of Exact Sciences
Classification: Uncertain significance for HADHA-related condition. Last evaluated: 2024-08-07. Review status: no assertion criteria provided. Collection method: clinical testing. Allele origin: germline. Not counted in ClinVar's aggregate classification.
Comment: The HADHA c.955G>A variant is predicted to result in the amino acid substitution p.Gly319Ser. This variant was reported in the compound heterozygous state in an individual with neuropathy, distal muscle atrophy, exercise intolerance. The patient had a normal newborn screening and had repeatedly normal blood acylcarnitine levels (Patient 2; Table A1, A2, Diebold et al. 2019. PubMed ID: 30682426). The variant was also reported in the homozygous state in 2 individuals with features of Charcot Marie Tooth disease from consanguineous parents. Both patients also had normal acylcarnitine profiles (Khani et al. 2020. PubMed ID: 32897397). This variant is reported in 0.0054% of alleles in individuals of East Asian descent in gnomAD. It is interpreted as uncertain by most submitters in ClinVar. At this time, the clinical significance of this variant is uncertain due to the absence of conclusive functional and genetic evidence.

Counsyl
Classification: Uncertain significance for Long chain 3-hydroxyacyl-CoA dehydrogenase deficiency. Last evaluated: 2017-02-16. Review status: no assertion criteria provided. Collection method: clinical testing. Allele origin: unknown. Not counted in ClinVar's aggregate classification.

Children's Medical Center, Molecular Pathology and Cytogenetics Lab, Tehran University of Medical Sciences
Classification: Uncertain significance for Mitochondrial trifunctional protein deficiency 1. Review status: no assertion criteria provided. Collection method: clinical testing. Allele origin: biparental. Inheritance: Autosomal recessive inheritance. Affected: yes. Not counted in ClinVar's aggregate classification.
Comment: For this missense variant, computational prediction tools unanimously support a deleterious effect on the gene and the frequency of this variant is extremely low in gnomAD population databases.

Literature cited by the submitters: PubMed 39687448 (cited by Natera, Inc.); PubMed 39210374 (cited by Natera, Inc.); PubMed 38263760 (cited by Natera, Inc.); PubMed 33638202 (cited by Women's Health and Genetics/Laboratory Corporation of America, LabCorp); PubMed 30682426 (cited by Women's Health and Genetics/Laboratory Corporation of America, LabCorp and Labcorp Genetics (formerly Invitae), Labcorp).